The following is an entry in ClinVar:

NM_006267.5(RANBP2):c.1894C>T (p.His632Tyr)

Gene: RANBP2 (RAN binding protein 2; plus strand). Cytogenetic location: 2q13.
Variant type: single nucleotide variant.
Coding change: c.1894C>T on transcript NM_006267.5 (MANE Select); coding-DNA position 1894, C replaced by T.
Protein change: p.His632Tyr; replaces histidine 632 with tyrosine.
Molecular consequence: missense variant.
Genome position (GRCh38, 1-based): chr2:108,753,136, C>T. VCF-style: chr2-108753136-C-T. GRCh37 (hg19) VCF-style: chr2-109369592-C-T.
Other names: short protein forms H632Y.
Identifiers: ClinVar variation 1712607 (VCV001712607.2), dbSNP rs2467521715, ClinGen allele CA348052131.
Genomic context (GRCh38, chr2:108,753,136, plus strand): 5'-TTGTTGAAGATAATAAAAAAGAAGAACAGTATTCCTGAACCTATTGATCCTCTGTTTAAA[C>T]ATTTTCATAGTGTAGACATTCAGGTAACAGAGTTCCTTTATGAATTTATTGGAGATGGGA-3'
Protein context (NP_006258.3, residues 622-642): IPEPIDPLFK[His632Tyr]FHSVDIQASE

ClinVar aggregate classification (germline): Uncertain significance (1 of 4 stars; one submission).

Submission:

GeneDx
Classification: Uncertain significance. Last evaluated: 2022-04-28. Review status: criteria provided, single submitter. Criteria: GeneDx Variant Classification Process June 2021. Collection method: clinical testing. Allele origin: germline. Affected: yes.
Comment: Not observed at significant frequency in large population cohorts (gnomAD); In silico analysis supports that this missense variant has a deleterious effect on protein structure/function; Has not been previously published as pathogenic or benign to our knowledge